The following is an entry in ClinVar:

NM_144643.4(SCLT1):c.239A>C (p.Gln80Pro)

Gene: SCLT1 (sodium channel and clathrin linker 1; minus strand). Cytogenetic location: 4q28.2.
Variant type: single nucleotide variant.
Coding change: c.239A>C on transcript NM_144643.4 (MANE Select); coding-DNA position 239, A replaced by C.
Protein change: p.Gln80Pro; replaces glutamine 80 with proline.
Molecular consequence: missense variant.
Genome position (GRCh38, 1-based): chr4:129,039,092, T>G on the plus strand (A>C on the coding strand, the complement: SCLT1 is on the minus strand). VCF-style: chr4-129039092-T-G. GRCh37 (hg19) VCF-style: chr4-129960247-T-G.
Other names: c.239A>C, p.Gln80Pro (NM_001300898.2, NM_001410807.1); short protein forms Q80P.
Identifiers: ClinVar variation 1978300 (VCV001978300.4), dbSNP rs1747443670, ClinGen allele CA358187165.
Genomic context (GRCh38, chr4:129,039,092, plus strand): 5'-TTGATTTACCTTTCATTTTCCTTGATGACATTTTCAAGTTGTAATTTCATCTCACCCACC[T>G]GTTTCTGAAAGAATAAAATATGGTGTGGCAATACATTTTGCAGACAATCAGATCTCCATT-3'
Protein context (NP_653244.2, residues 70-90): LNGQLKYYQK[Gln80Pro]VGEMKLQLEN

ClinVar aggregate classification (germline): Uncertain significance (1 of 4 stars; one submission).

gnomAD v4.1: 12 of 1,598,278 alleles (0.00075%); highest among the groups gnomAD compares: Non-Finnish European, 0.001%; no homozygotes.

Submission:

Labcorp Genetics (formerly Invitae), Labcorp
Classification: Uncertain significance. Last evaluated: 2022-04-04. Review status: criteria provided, single submitter. Criteria: Invitae Variant Classification Sherloc (09022015). Collection method: clinical testing. Allele origin: germline.
Comment: This sequence change replaces glutamine, which is neutral and polar, with proline, which is neutral and non-polar, at codon 80 of the SCLT1 protein (p.Gln80Pro). This variant is not present in population databases (gnomAD no frequency). This variant has not been reported in the literature in individuals affected with SCLT1-related conditions. Algorithms developed to predict the effect of missense changes on protein structure and function are either unavailable or do not agree on the potential impact of this missense change (SIFT: "Deleterious"; PolyPhen-2: "Possibly Damaging"; Align-GVGD: "Class C15"). Algorithms developed to predict the effect of sequence changes on RNA splicing suggest that this variant may disrupt the consensus splice site. In summary, the available evidence is currently insufficient to determine the role of this variant in disease. Therefore, it has been classified as a Variant of Uncertain Significance.